The following is an entry in ClinVar:

ClinVar aggregate classification (germline): Uncertain significance. Review status: criteria provided, multiple submitters, no conflicts (2 of 4 stars). 5 submissions from 5 submitters: Uncertain significance (5). Last evaluated 2025-07-18.

Conditions:
Myofibrillar myopathy 5. Also called: FILAMINOPATHY, AUTOSOMAL DOMINANT; Filaminopathy (type). Identifiers: Orphanet 171445, MedGen C1836050, MONDO:0012289, OMIM 609524.
Distal myopathy with posterior leg and anterior hand involvement. Also called: WILLIAMS DISTAL MYOPATHY. Identifiers: Orphanet 63273, MedGen C3279722, MONDO:0013550, OMIM 614065.
Hypertrophic cardiomyopathy 26. Also called: Cardiomyopathy, familial hypertrophic, 26. Identifiers: Orphanet 75249, MedGen C4310749, MONDO:0014883, OMIM 617047.
Cardiovascular phenotype. Identifiers: MedGen CN230736.

Allele frequency attached by ClinVar (database versions not stated): ESP Exome Variant Server 0.00008.
gnomAD v4.1: 14 of 1,613,940 alleles (0.00087%); highest among the groups gnomAD compares: Non-Finnish European, 0.0012%; no homozygotes.

Submissions (5):

Labcorp Genetics (formerly Invitae), Labcorp
Classification: Uncertain significance for Distal myopathy with posterior leg and anterior hand involvement; Myofibrillar myopathy 5; Hypertrophic cardiomyopathy 26. Last evaluated: 2025-07-18. Review status: criteria provided, single submitter. Criteria: Invitae Variant Classification Sherloc (09022015). Collection method: clinical testing. Allele origin: germline.
Comment: This sequence change replaces threonine, which is neutral and polar, with serine, which is neutral and polar, at codon 2125 of the FLNC protein (p.Thr2125Ser). This variant is not present in population databases (gnomAD no frequency). This missense change has been observed in individual(s) with clinical features of FLNC-related conditions (internal data). ClinVar contains an entry for this variant (Variation ID: 859711). Invitae Evidence Modeling of protein sequence and biophysical properties (such as structural, functional, and spatial information, amino acid conservation, physicochemical variation, residue mobility, and thermodynamic stability) has been performed for this missense variant. However, the output from this modeling did not meet the statistical confidence thresholds required to predict the impact of this variant on FLNC protein function. In summary, the available evidence is currently insufficient to determine the role of this variant in disease. Therefore, it has been classified as a Variant of Uncertain Significance.

Ambry Genetics
Classification: Uncertain significance for Cardiovascular phenotype. Last evaluated: 2023-07-29. Review status: criteria provided, single submitter. Criteria: Ambry Variant Classification Scheme 2023. Collection method: clinical testing. Allele origin: germline.
Comment: The p.T2125S variant (also known as c.6374C>G), located in coding exon 39 of the FLNC gene, results from a C to G substitution at nucleotide position 6374. The threonine at codon 2125 is replaced by serine, an amino acid with similar properties. This amino acid position is well conserved in available vertebrate species; however, serine is the reference amino acid in other vertebrate species. In addition, this alteration is predicted to be tolerated by in silico analysis. Since supporting evidence is limited at this time, the clinical significance of this alteration remains unclear.

GeneDx
Classification: Uncertain significance. Last evaluated: 2023-05-22. Review status: criteria provided, single submitter. Criteria: GeneDx Variant Classification Process June 2021. Collection method: clinical testing. Allele origin: germline. Affected: yes.
Comment: Has not been previously published as pathogenic or benign to our knowledge; Not observed at significant frequency in large population cohorts (gnomAD); In silico analysis supports that this missense variant does not alter protein structure/function

Fulgent Genetics
Classification: Uncertain significance for Myofibrillar myopathy 5; Distal myopathy with posterior leg and anterior hand involvement; Hypertrophic cardiomyopathy 26. Last evaluated: 2021-08-18. Review status: criteria provided, single submitter. Criteria: ACMG Guidelines, 2015. Collection method: clinical testing. Allele origin: unknown.

Revvity Omics, Revvity
Classification: Uncertain significance. Last evaluated: 2019-03-12. Review status: criteria provided, single submitter. Criteria: ACMG Guidelines, 2015. Collection method: clinical testing. Allele origin: germline.

NM_001458.5(FLNC):c.6374C>G (p.Thr2125Ser)

Genes: FLNC (filamin C; plus strand), FLNC-AS1 (FLNC antisense RNA 1; minus strand). Cytogenetic location: 7q32.1.
Variant type: single nucleotide variant.
Coding change: c.6374C>G on transcript NM_001458.5 (MANE Select); coding-DNA position 6374, C replaced by G.
Protein change: p.Thr2125Ser; replaces threonine 2125 with serine.
Molecular consequence: missense variant.
Genome position (GRCh38, 1-based): chr7:128,853,727, C>G. VCF-style: chr7-128853727-C-G. GRCh37 (hg19) VCF-style: chr7-128493781-C-G.
Other names: c.6275C>G, p.Thr2092Ser (NM_001127487.2); short protein forms T2092S, T2125S.
Identifiers: ClinVar variation 859711 (VCV000859711.14), dbSNP rs371455516, ClinGen allele CA166190797.